The following is an entry in ClinVar:

NM_014391.3(ANKRD1):c.905T>C (p.Ile302Thr)

Gene: ANKRD1 (ankyrin repeat domain 1; minus strand). Cytogenetic location: 10q23.31.
Variant type: single nucleotide variant.
Coding change: c.905T>C on transcript NM_014391.3 (MANE Select); coding-DNA position 905, T replaced by C.
Protein change: p.Ile302Thr; replaces isoleucine 302 with threonine.
Molecular consequence: missense variant.
Genome position (GRCh38, 1-based): chr10:90,912,921, A>G on the plus strand (T>C on the coding strand, the complement: ANKRD1 is on the minus strand). VCF-style: chr10-90912921-A-G. GRCh37 (hg19) VCF-style: chr10-92672678-A-G.
Other names: short protein forms I302T.
Identifiers: ClinVar variation 543934 (VCV000543934.12), dbSNP rs765966193, ClinGen allele CA5598573.

ClinVar aggregate classification (germline): Uncertain significance. Review status: criteria provided, multiple submitters, no conflicts (2 of 4 stars). 2 submissions from 2 submitters: Uncertain significance (2). Last evaluated 2025-10-18.

Conditions:
ANKRD1-related dilated cardiomyopathy. Identifiers: MedGen CN119551.
Cardiovascular phenotype. Identifiers: MedGen CN230736.

Allele frequency attached by ClinVar (database versions not stated): gnomAD exomes below 0.00001 and 0.00001; ExAC 0.00002; gnomAD 0.00002 and 0.00003; TOPMed 0.00002.
gnomAD v4.1: 9 of 1,613,954 alleles (0.00056%); highest among the groups gnomAD compares: Admixed American, 0.0033%; no homozygotes.

Submissions (2):

Labcorp Genetics (formerly Invitae), Labcorp
Classification: Uncertain significance for ANKRD1-related dilated cardiomyopathy. Last evaluated: 2025-10-18. Review status: criteria provided, single submitter. Criteria: Invitae Variant Classification Sherloc (09022015). Collection method: clinical testing. Allele origin: germline.
Comment: This sequence change replaces isoleucine, which is neutral and non-polar, with threonine, which is neutral and polar, at codon 302 of the ANKRD1 protein (p.Ile302Thr). This variant is present in population databases (rs765966193, gnomAD 0.003%). This variant has not been reported in the literature in individuals affected with ANKRD1-related conditions. ClinVar contains an entry for this variant (Variation ID: 543934). Invitae Evidence Modeling of protein sequence and biophysical properties (such as structural, functional, and spatial information, amino acid conservation, physicochemical variation, residue mobility, and thermodynamic stability) indicates that this missense variant is not expected to disrupt ANKRD1 protein function with a negative predictive value of 80%. In summary, the available evidence is currently insufficient to determine the role of this variant in disease. Therefore, it has been classified as a Variant of Uncertain Significance.

Ambry Genetics
Classification: Uncertain significance for Cardiovascular phenotype. Last evaluated: 2025-09-04. Review status: criteria provided, single submitter. Criteria: Ambry Variant Classification Scheme 2023. Collection method: clinical testing. Allele origin: germline.